The following is an entry in ClinVar:

NM_198859.4(PRICKLE2):c.2114G>C (p.Arg705Pro)

Genes: PRICKLE2 (prickle planar cell polarity protein 2; minus strand), PRICKLE2-AS1 (PRICKLE2 antisense RNA 1; plus strand). Cytogenetic location: 3p14.1.
Variant type: single nucleotide variant.
Coding change: c.2114G>C on transcript NM_198859.4 (MANE Select); coding-DNA position 2114, G replaced by C.
Protein change: p.Arg705Pro; replaces arginine 705 with proline.
Molecular consequence: missense variant. On other transcripts: non-coding transcript variant (1).
Genome position (GRCh38, 1-based): chr3:64,099,472, C>G on the plus strand (G>C on the coding strand, the complement: PRICKLE2 is on the minus strand). VCF-style: chr3-64099472-C-G. GRCh37 (hg19) VCF-style: chr3-64085148-C-G.
Other names: c.2114G>C, p.Arg705Pro (NM_001370528.1); short protein forms R705P.
Identifiers: ClinVar variation 1521335 (VCV001521335.8), dbSNP rs760877594, ClinGen allele CA2479490.
Genomic context (GRCh38, chr3:64,099,472, plus strand): 5'-TGGTCATAGTCCTCCCTGGCTCTCAGAGGGGGCCTATCTTTTAACCGGGAGATGGCCTCG[C>G]GTTCGCTGGCCAGGTGGAGGGCGTTGTCGGAGCGAGAGCGTCGGGAACGCCTGGACCTGT-3'
Protein context (NP_942559.1, residues 695-715): SDNALHLASE[Arg705Pro]EAISRLKDRP

ClinVar aggregate classification (germline): Uncertain significance (1 of 4 stars; one submission).

Conditions:
Progressive myoclonic epilepsy type 5. Identifiers: Orphanet 402082, MedGen C5190799.

Allele frequency attached by ClinVar (database versions not stated): ExAC 0.00002; gnomAD exomes 0.00002; TOPMed 0.00004; gnomAD 0.00007.
gnomAD v4.1: 13 of 1,584,186 alleles (0.00082%); highest among the groups gnomAD compares: African/African-American, 0.015%; no homozygotes.

Submission:

Labcorp Genetics (formerly Invitae), Labcorp
Classification: Uncertain significance for Progressive myoclonic epilepsy type 5. Last evaluated: 2021-04-20. Review status: criteria provided, single submitter. Criteria: Invitae Variant Classification Sherloc (09022015). Collection method: clinical testing. Allele origin: germline.
Comment: This sequence change replaces arginine with proline at codon 705 of the PRICKLE2 protein (p.Arg705Pro). The arginine residue is highly conserved and there is a moderate physicochemical difference between arginine and proline. This variant is present in population databases (rs760877594, ExAC 0.02%). This variant has not been reported in the literature in individuals with PRICKLE2-related conditions. Algorithms developed to predict the effect of missense changes on protein structure and function are either unavailable or do not agree on the potential impact of this missense change (SIFT: "Deleterious"; PolyPhen-2: "Possibly Damaging"; Align-GVGD: "Class C15"). In summary, the available evidence is currently insufficient to determine the role of this variant in disease. Therefore, it has been classified as a Variant of Uncertain Significance.